The following is an entry in ClinVar:

NM_015178.3(RHOBTB2):c.1066G>A (p.Gly356Ser)

Gene: RHOBTB2 (Rho related BTB domain containing 2; plus strand). Cytogenetic location: 8p21.3.
Variant type: single nucleotide variant.
Coding change: c.1066G>A on transcript NM_015178.3 (MANE Select); coding-DNA position 1066, G replaced by A.
Protein change: p.Gly356Ser; replaces glycine 356 with serine.
Molecular consequence: missense variant.
Genome position (GRCh38, 1-based): chr8:23,007,311, G>A. VCF-style: chr8-23007311-G-A. GRCh37 (hg19) VCF-style: chr8-22864824-G-A.
Other names: c.1132G>A, p.Gly378Ser (NM_001160036.2); c.1087G>A, p.Gly363Ser (NM_001160037.2); c.1066G>A, p.Gly356Ser (NM_001374791.1); short protein forms G356S, G378S, G363S.
Identifiers: ClinVar variation 2041838 (VCV002041838.4), dbSNP rs2487011421, ClinGen allele CA370567399.

ClinVar aggregate classification (germline): Uncertain significance (1 of 4 stars; one submission).

Submission:

Labcorp Genetics (formerly Invitae), Labcorp
Classification: Uncertain significance. Last evaluated: 2022-01-19. Review status: criteria provided, single submitter. Criteria: Invitae Variant Classification Sherloc (09022015). Collection method: clinical testing. Allele origin: germline.
Comment: In summary, the available evidence is currently insufficient to determine the role of this variant in disease. Therefore, it has been classified as a Variant of Uncertain Significance. Algorithms developed to predict the effect of missense changes on protein structure and function output the following: SIFT: "Deleterious"; PolyPhen-2: "Benign"; Align-GVGD: "Class C0". The serine amino acid residue is found in multiple mammalian species, which suggests that this missense change does not adversely affect protein function. This variant has not been reported in the literature in individuals affected with RHOBTB2-related conditions. This variant is not present in population databases (gnomAD no frequency). This sequence change replaces glycine, which is neutral and non-polar, with serine, which is neutral and polar, at codon 378 of the RHOBTB2 protein (p.Gly378Ser).